The following is an entry in ClinVar:

ClinVar aggregate classification (germline): Uncertain significance. Review status: criteria provided, multiple submitters, no conflicts (2 of 4 stars). 3 submissions from 3 submitters: Uncertain significance (3). Last evaluated 2026-08-05.

Conditions:
VPS13B-related disorder. Also called: VPS13B-related condition.
Cohen syndrome (COH1). Also called: PEPPER SYNDROME; Cutis verticis gyrata, retinitis pigmentosa, and sensorineural deafness. Identifiers: Orphanet 193, MedGen C0265223, MONDO:0008999, OMIM 216550.

Allele frequency attached by ClinVar (database versions not stated): gnomAD exomes below 0.00001; gnomAD 0.00001.
gnomAD v4.1: 8 of 1,613,908 alleles (0.0005%); highest among the groups gnomAD compares: Middle Eastern, 0.016%; no homozygotes.

Submissions (3):

PreventionGenetics, part of Exact Sciences
Classification: Uncertain significance for VPS13B-related condition. Last evaluated: 2026-08-05. Review status: criteria provided, single submitter. Criteria: ACMG Guidelines, 2015. Collection method: clinical testing. Allele origin: germline.
Comment: The VPS13B c.4232G>A variant is predicted to result in the amino acid substitution p.Arg1411His. To our knowledge, this variant has not been reported in the literature or in a large population database (gnomAD), indicating this variant is rare. At this time, the clinical significance of this variant is uncertain due to the absence of conclusive functional and genetic evidence.

Labcorp Genetics (formerly Invitae), Labcorp
Classification: Uncertain significance for Cohen syndrome. Last evaluated: 2022-06-11. Review status: criteria provided, single submitter. Criteria: Invitae Variant Classification Sherloc (09022015). Collection method: clinical testing. Allele origin: germline.
Comment: This sequence change replaces arginine, which is basic and polar, with histidine, which is basic and polar, at codon 1411 of the VPS13B protein (p.Arg1411His). This variant is not present in population databases (gnomAD no frequency). This variant has not been reported in the literature in individuals affected with VPS13B-related conditions. ClinVar contains an entry for this variant (Variation ID: 1209717). Algorithms developed to predict the effect of missense changes on protein structure and function are either unavailable or do not agree on the potential impact of this missense change (SIFT: "Not Available"; PolyPhen-2: "Benign"; Align-GVGD: "Not Available"). In summary, the available evidence is currently insufficient to determine the role of this variant in disease. Therefore, it has been classified as a Variant of Uncertain Significance.

Genome-Nilou Lab
Classification: Uncertain significance for Cohen syndrome. Last evaluated: 2021-07-22. Review status: criteria provided, single submitter. Criteria: ACMG Guidelines, 2015. Collection method: clinical testing. Allele origin: germline. Affected: no.

NM_017890.5(VPS13B):c.4232G>A (p.Arg1411His)

Gene: VPS13B (vacuolar protein sorting 13 homolog B; plus strand). Cytogenetic location: 8q22.2.
Variant type: single nucleotide variant.
Coding change: c.4232G>A on transcript NM_017890.5 (MANE Plus Clinical); coding-DNA position 4232, G replaced by A.
Protein change: p.Arg1411His; replaces arginine 1411 with histidine.
Molecular consequence: missense variant. On other transcripts: intron variant (1).
Genome position (GRCh38, 1-based): chr8:99,507,844, G>A. VCF-style: chr8-99507844-G-A. GRCh37 (hg19) VCF-style: chr8-100520072-G-A.
Other names: c.4224+641G>A (NM_152564.5); short protein forms R1411H.
Identifiers: ClinVar variation 1209717 (VCV001209717.6), dbSNP rs1821581494, ClinGen allele CA371870741.